The following is an entry in ClinVar:

NM_001291303.3(FAT4):c.5339T>C (p.Ile1780Thr)

Gene: FAT4 (FAT atypical cadherin 4; plus strand). Cytogenetic location: 4q28.1.
Variant type: single nucleotide variant.
Coding change: c.5339T>C on transcript NM_001291303.3 (MANE Select); coding-DNA position 5339, T replaced by C.
Protein change: p.Ile1780Thr; replaces isoleucine 1780 with threonine.
Molecular consequence: missense variant.
Genome position (GRCh38, 1-based): chr4:125,406,911, T>C. VCF-style: chr4-125406911-T-C. GRCh37 (hg19) VCF-style: chr4-126328066-T-C.
Other names: c.5339T>C, p.Ile1780Thr (NM_001291285.3, NM_024582.6); short protein forms I1780T.
Identifiers: ClinVar variation 3906544 (VCV003906544.1).
Genomic context (GRCh38, chr4:125,406,911, plus strand): 5'-TAGCTCAGATGCTTGGTCTCTTTTTTTAGGGTGCAAATGCTCTCGTCACATACACTATCA[T>C]TAGTGGAGCTGATGATAGTTTTCGCATCGACCCAGAATCCGGAGATCTGATAGCAACCAG-3'
Protein context (NP_001278232.1, residues 1770-1790): GANALVTYTI[Ile1780Thr]SGADDSFRID

ClinVar aggregate classification (germline): Uncertain significance (1 of 4 stars; one submission).

Submission:

GeneDx
Classification: Uncertain significance. Last evaluated: 2024-12-11. Review status: criteria provided, single submitter. Criteria: GeneDx Variant Classification Process June 2021. Collection method: clinical testing. Allele origin: germline. Affected: yes.
Comment: Not observed at significant frequency in large population cohorts (gnomAD); In silico analysis supports that this missense variant has a deleterious effect on protein structure/function; Has not been previously published as pathogenic or benign to our knowledge